The following is an entry in ClinVar:

NM_001363.5(DKC1):c.884C>T (p.Ser295Phe)

Gene: DKC1 (dyskerin pseudouridine synthase 1; plus strand). Cytogenetic location: Xq28.
Variant type: single nucleotide variant.
Coding change: c.884C>T on transcript NM_001363.5 (MANE Select); coding-DNA position 884, C replaced by T.
Protein change: p.Ser295Phe; replaces serine 295 with phenylalanine.
Molecular consequence: missense variant. On other transcripts: non-coding transcript variant (3).
Genome position (GRCh38, 1-based): chrX:154,769,279, C>T. VCF-style: chrX-154769279-C-T. GRCh37 (hg19) VCF-style: chrX-153997554-C-T.
Other names: c.884C>T, p.Ser295Phe (NM_001142463.3, NM_001288747.2); short protein forms S295F.
Identifiers: ClinVar variation 969076 (VCV000969076.10), dbSNP rs2071791712, ClinGen allele CA414891605.

ClinVar aggregate classification (germline): Uncertain significance (1 of 4 stars; one submission).

Conditions:
Dyskeratosis congenita. Identifiers: Orphanet 1775, MedGen C0265965, MONDO:0015780.

Allele frequency attached by ClinVar (database versions not stated): gnomAD exomes below 0.00001.
gnomAD v4.1: 1 of 1,211,688 alleles (0.000083%); highest among the groups gnomAD compares: African/African-American, 0.0017%; no homozygotes.

Submission:

Labcorp Genetics (formerly Invitae), Labcorp
Classification: Uncertain significance for Dyskeratosis congenita. Last evaluated: 2022-04-19. Review status: criteria provided, single submitter. Criteria: Invitae Variant Classification Sherloc (09022015). Collection method: clinical testing. Allele origin: germline.
Comment: ClinVar contains an entry for this variant (Variation ID: 969076). This variant has not been reported in the literature in individuals affected with DKC1-related conditions. This variant is not present in population databases (gnomAD no frequency). This sequence change replaces serine, which is neutral and polar, with phenylalanine, which is neutral and non-polar, at codon 295 of the DKC1 protein (p.Ser295Phe). Algorithms developed to predict the effect of missense changes on protein structure and function are either unavailable or do not agree on the potential impact of this missense change (SIFT: "Deleterious"; PolyPhen-2: "Possibly Damaging"; Align-GVGD: "Class C15"). In summary, the available evidence is currently insufficient to determine the role of this variant in disease. Therefore, it has been classified as a Variant of Uncertain Significance.